The following is an entry in ClinVar:

ClinVar aggregate classification (germline): Pathogenic/Likely pathogenic. Review status: criteria provided, multiple submitters, no conflicts (2 of 4 stars). 2 submissions from 2 submitters: Pathogenic (1); Likely pathogenic (1). Last evaluated 2025-07-31.

Conditions:
PRPH2-related disorder. Also called: PRPH2-related condition; PRPH2-related disorders. Identifiers: MedGen CN239395.

Submissions (2):

Labcorp Genetics (formerly Invitae), Labcorp
Classification: Pathogenic for PRPH2-related disorder. Last evaluated: 2025-07-31. Review status: criteria provided, single submitter. Criteria: Invitae Variant Classification Sherloc (09022015). Collection method: clinical testing. Allele origin: germline.
Comment: This sequence change creates a premature translational stop signal (p.Asn136Thrfs*3) in the PRPH2 gene. It is expected to result in an absent or disrupted protein product. Loss-of-function variants in PRPH2 are known to be pathogenic (PMID: 8111389, 8485575, 8485576, 8675410, 16916875, 17504850, 22863181, 25675413, 26061163, 27365499, 29555955, 33546218). This variant is not present in population databases (gnomAD no frequency). This variant has not been reported in the literature in individuals affected with PRPH2-related conditions. ClinVar contains an entry for this variant (Variation ID: 2109343). For these reasons, this variant has been classified as Pathogenic.

Blueprint Genetics
Classification: Likely pathogenic for PRPH2-related disorders. Last evaluated: 2019-09-14. Review status: criteria provided, single submitter. Criteria: ACMG Guidelines, 2015. Collection method: clinical testing. Allele origin: germline. Affected: yes. Observed: 1 variant allele.

Literature cited by the submitters: PubMed 8111389 (cited by Labcorp Genetics (formerly Invitae), Labcorp); PubMed 8485575 (cited by Labcorp Genetics (formerly Invitae), Labcorp); PubMed 8485576 (cited by Labcorp Genetics (formerly Invitae), Labcorp); PubMed 8675410 (cited by Labcorp Genetics (formerly Invitae), Labcorp); PubMed 16916875 (cited by Labcorp Genetics (formerly Invitae), Labcorp); PubMed 17504850 (cited by Labcorp Genetics (formerly Invitae), Labcorp); PubMed 22863181 (cited by Labcorp Genetics (formerly Invitae), Labcorp); PubMed 25675413 (cited by Labcorp Genetics (formerly Invitae), Labcorp); PubMed 26061163 (cited by Labcorp Genetics (formerly Invitae), Labcorp); PubMed 27365499 (cited by Labcorp Genetics (formerly Invitae), Labcorp); PubMed 29555955 (cited by Labcorp Genetics (formerly Invitae), Labcorp); PubMed 33546218 (cited by Labcorp Genetics (formerly Invitae), Labcorp).

NM_000322.5(PRPH2):c.407del (p.Asn136fs)

Gene: PRPH2 (peripherin 2; minus strand). Cytogenetic location: 6p21.1.
Variant type: Deletion.
Coding change: c.407del on transcript NM_000322.5 (MANE Select); coding-DNA position 407, one base deleted (A; older notation c.407delA).
Protein change: p.Asn136fs; shifts the reading frame from asparagine 136.
Molecular consequence: frameshift variant.
Genome position (GRCh38, 1-based): chr6:42,721,928, T deleted on the plus strand (A on the coding strand, the reverse complement: PRPH2 is on the minus strand); the first of 2 consecutive T bases (chr6:42,721,928-42,721,929); deleting either gives the same sequence. VCF-style (leftmost placement, unchanged base first): chr6-42721927-GT-G. GRCh37 (hg19) VCF-style: chr6-42689665-GT-G.
Other names: short protein forms N136fs.
Identifiers: ClinVar variation 2109343 (VCV002109343.5), dbSNP rs2548309708, ClinGen allele CA2580074529.
Genomic context (GRCh38, chr6:42,721,927, plus strand): 5'-GATGGTCTTCTTCATGAAACACCTGCCAGGGGTGTCTGTGTCCCGGTAGTACTTCATGCC[GT>G]TCTTGAGCCCTTGGCCCAGGGTGTTCTCCAGCGAGCCCCGAAGCAGAAAGCAGCAGAGAG-3'